The following is an entry in ClinVar:

NM_012472.6(DNAAF11):c.450_451delinsGT (p.Ile150_Glu151delinsMetTer)

Gene: DNAAF11 (dynein axonemal assembly factor 11; minus strand). Cytogenetic location: 8q24.22.
Variant type: Indel.
Coding change: c.450_451delinsGT on transcript NM_012472.6 (MANE Select); coding-DNA positions 450 to 451, AG replaced by GT.
Protein change: p.Ile150_Glu151delinsMetTer.
Molecular consequence: nonsense. On other transcripts: non-coding transcript variant (1).
Genome position (GRCh38, 1-based): chr8:132,632,942-132,632,943, CT replaced by AC on the plus strand (AG replaced by GT on the coding strand, the reverse complement: DNAAF11 is on the minus strand). VCF-style: chr8-132632942-CT-AC. GRCh37 (hg19) VCF-style: chr8-133645188-CT-AC.
Other names: c.450_451delinsGT, p.Ile150_Glu151delinsMetTer (NM_001321961.2); c.204_205delinsGT, p.Ile68_Glu69delinsMetTer (NM_001321962.2); c.90_91delinsGT, p.Ile30_Glu31delinsMetTer (NM_001321963.2, NM_001321964.2, NM_001321965.2 and 1 more transcripts).
Identifiers: ClinVar variation 1071740 (VCV001071740.7), dbSNP rs2130460427, ClinGen allele CA2499219119.

ClinVar aggregate classification (germline): Pathogenic (1 of 4 stars; one submission).

Conditions:
Primary ciliary dyskinesia 19. Also called: CILIARY DYSKINESIA, PRIMARY, 19, WITH OR WITHOUT SITUS INVERSUS. Identifiers: Orphanet 244, MedGen C3543826, MONDO:0013979, OMIM 614935.

Submission:

Labcorp Genetics (formerly Invitae), Labcorp
Classification: Pathogenic for Primary ciliary dyskinesia 19. Last evaluated: 2018-02-12. Review status: criteria provided, single submitter. Criteria: Invitae Variant Classification Sherloc (09022015). Collection method: clinical testing. Allele origin: germline.
Comment: For these reasons, this variant has been classified as Pathogenic. This variant has not been reported in the literature in individuals with LRRC6-related disease. This variant is not present in population databases (ExAC no frequency). This sequence change creates a premature translational stop signal (p.Ile150_Ile466delinsMet*) in the LRRC6 gene. It is expected to result in an absent or disrupted protein product.